The following is an entry in ClinVar:

NM_005591.4(MRE11):c.1072C>T (p.Pro358Ser)

Gene: MRE11 (MRE11 double strand break repair nuclease; minus strand). Cytogenetic location: 11q21.
Variant type: single nucleotide variant.
Coding change: c.1072C>T on transcript NM_005591.4 (MANE Select); coding-DNA position 1072, C replaced by T.
Protein change: p.Pro358Ser; replaces proline 358 with serine.
Molecular consequence: missense variant.
Genome position (GRCh38, 1-based): chr11:94,467,839, G>A on the plus strand (C>T on the coding strand, the complement: MRE11 is on the minus strand). VCF-style: chr11-94467839-G-A. GRCh37 (hg19) VCF-style: chr11-94201005-G-A.
Other names: c.1072C>T, p.Pro358Ser (NM_001330347.2, NM_005590.4); short protein forms P358S.
Identifiers: ClinVar variation 2451351 (VCV002451351.2), dbSNP rs2496460063, ClinGen allele CA382373718.

ClinVar aggregate classification (germline): Uncertain significance (1 of 4 stars; one submission).

Conditions:
Hereditary cancer-predisposing syndrome. Also called: Neoplastic Syndromes, Hereditary; Tumor predisposition; Hereditary neoplastic syndrome; Hereditary Cancer Syndrome. Identifiers: Orphanet 140162, MedGen C0027672, MeSH D009386, MONDO:0015356.

Submission:

Ambry Genetics
Classification: Uncertain significance for Hereditary cancer-predisposing syndrome. Last evaluated: 2022-11-02. Review status: criteria provided, single submitter. Criteria: Ambry Variant Classification Scheme 2023. Collection method: clinical testing. Allele origin: germline.
Comment: The p.P358S variant (also known as c.1072C>T), located in coding exon 9 of the MRE11A gene, results from a C to T substitution at nucleotide position 1072. The proline at codon 358 is replaced by serine, an amino acid with similar properties. This amino acid position is conserved. In addition, the in silico prediction for this alteration is inconclusive. Since supporting evidence is limited at this time, the clinical significance of this alteration remains unclear.